The following is an entry in ClinVar:

NM_001374385.1(ATP8B1):c.550G>A (p.Gly184Ser)

Gene: ATP8B1 (ATPase phospholipid transporting 8B1; minus strand). Cytogenetic location: 18q21.31.
Variant type: single nucleotide variant.
Coding change: c.550G>A on transcript NM_001374385.1 (MANE Select); coding-DNA position 550, G replaced by A.
Protein change: p.Gly184Ser; replaces glycine 184 with serine.
Molecular consequence: missense variant.
Genome position (GRCh38, 1-based): chr18:57,701,043, C>T on the plus strand (G>A on the coding strand, the complement: ATP8B1 is on the minus strand). VCF-style: chr18-57701043-C-T. GRCh37 (hg19) VCF-style: chr18-55368275-C-T.
Other names: c.400G>A, p.Gly134Ser (NM_001374386.1); c.550G>A, p.Gly184Ser (NM_005603.6); short protein forms G184S, G134S.
Identifiers: ClinVar variation 593598 (VCV000593598.9), dbSNP rs1568202260, ClinGen allele CA402546249.

ClinVar aggregate classification (germline): Uncertain significance. Review status: criteria provided, multiple submitters, no conflicts (2 of 4 stars). 2 submissions from 2 submitters: Uncertain significance (2). Last evaluated 2024-02-05.

Allele frequency attached by ClinVar (database versions not stated): gnomAD exomes below 0.00001.
gnomAD v4.1: 2 of 1,613,836 alleles (0.00012%); highest among the groups gnomAD compares: Admixed American, 0.0033%; no homozygotes.

Submissions (2):

Labcorp Genetics (formerly Invitae), Labcorp
Classification: Uncertain significance. Last evaluated: 2024-02-05. Review status: criteria provided, single submitter. Criteria: Invitae Variant Classification Sherloc (09022015). Collection method: clinical testing. Allele origin: germline.
Comment: This sequence change replaces glycine, which is neutral and non-polar, with serine, which is neutral and polar, at codon 184 of the ATP8B1 protein (p.Gly184Ser). This variant is not present in population databases (gnomAD no frequency). This variant has not been reported in the literature in individuals affected with ATP8B1-related conditions. ClinVar contains an entry for this variant (Variation ID: 593598). Advanced modeling of protein sequence and biophysical properties (such as structural, functional, and spatial information, amino acid conservation, physicochemical variation, residue mobility, and thermodynamic stability) performed at Invitae indicates that this missense variant is not expected to disrupt ATP8B1 protein function with a negative predictive value of 80%. In summary, the available evidence is currently insufficient to determine the role of this variant in disease. Therefore, it has been classified as a Variant of Uncertain Significance.

Eurofins Ntd Llc (ga)
Classification: Uncertain significance. Last evaluated: 2017-08-10. Review status: criteria provided, single submitter. Criteria: EGL Classification Definitions 2015. Collection method: clinical testing. Allele origin: germline. Observed: 1 variant allele, 1 heterozygote.